The following is an entry in ClinVar:

ClinVar aggregate classification (germline): Conflicting classifications of pathogenicity. Review status: criteria provided, conflicting classifications (1 of 4 stars). 3 submissions from 3 submitters: Likely pathogenic (2); Uncertain significance (1). Last evaluated 2024-07-29.

Conditions:
Hereditary cancer-predisposing syndrome. Also called: Tumor predisposition; Neoplastic Syndromes, Hereditary; Hereditary neoplastic syndrome; Hereditary Cancer Syndrome. Identifiers: Orphanet 140162, MedGen C0027672, MeSH D009386, MONDO:0015356.
Endometrial carcinoma. Also called: Endometrial carcinoma, somatic. Identifiers: MedGen C0476089, MONDO:0002447, OMIM 608089, HP:0012114.

Allele frequency attached by ClinVar (database versions not stated): ExAC 0.00001; gnomAD 0.00001; 1000 Genomes Project 0.00020; 1000 Genomes Project 30x 0.00031.
gnomAD v4.1: 1 of 1,613,974 alleles (0.000062%); highest among the groups gnomAD compares: Admixed American, 0.0017%; no homozygotes.

Submissions (3):

Ambry Genetics
Classification: Uncertain significance for Hereditary cancer-predisposing syndrome. Last evaluated: 2024-07-29. Review status: criteria provided, single submitter. Criteria: Ambry Variant Classification Scheme 2023. Collection method: clinical testing. Allele origin: germline.
Comment: The c.580-2A>G intronic variant results from an A to G substitution two nucleotides upstream from coding exon 4 in the MSH3 gene. Alterations that disrupt the canonical splice site are expected to result in aberrant splicing. In silico splice site analysis predicts that this alteration will weaken the native splice acceptor site. The resulting transcript is predicted to be in-frame and is not expected to trigger nonsense-mediated mRNAdecay. RNA studies have demonstrated that this alteration results in a transcript predicted to lead to a protein with an in-frame deletion of 71 amino acids; however, the exact functional impact of the deleted amino acids is unknown at this time (Ambry internal data). This nucleotide position is highly conserved in available vertebrate species. Since supporting evidence is limited at this time, the clinical significance of this alteration remains unclear.

Labcorp Genetics (formerly Invitae), Labcorp
Classification: Likely pathogenic. Last evaluated: 2024-07-08. Review status: criteria provided, single submitter. Criteria: Invitae Variant Classification Sherloc (09022015). Collection method: clinical testing. Allele origin: germline.
Comment: This sequence change affects an acceptor splice site in intron 3 of the MSH3 gene. RNA analysis indicates that disruption of this splice site induces altered splicing and likely results in a shortened protein product. This variant is present in population databases (rs550048787, gnomAD 0.003%). This variant has not been reported in the literature in individuals affected with MSH3-related conditions. ClinVar contains an entry for this variant (Variation ID: 1513942). Studies have shown that disruption of this splice site results in skipping of exon 4, but is expected to preserve the integrity of the reading-frame (Invitae). In summary, the currently available evidence indicates that the variant is pathogenic, but additional data are needed to prove that conclusively. Therefore, this variant has been classified as Likely Pathogenic.

Baylor Genetics
Classification: Likely pathogenic for Endometrial carcinoma. Last evaluated: 2024-03-25. Review status: criteria provided, single submitter. Criteria: ACMG Guidelines, 2015. Collection method: clinical testing. Allele origin: unknown.

NM_002439.5(MSH3):c.580-2A>G

Gene: MSH3 (mutS homolog 3; plus strand). Cytogenetic location: 5q14.1.
Variant type: single nucleotide variant.
Coding change: c.580-2A>G on transcript NM_002439.5 (MANE Select); the canonical splice acceptor site of the intron before coding-DNA position 580, A replaced by G.
Molecular consequence: splice acceptor variant.
Genome position (GRCh38, 1-based): chr5:80,670,095, A>G. VCF-style: chr5-80670095-A-G. GRCh37 (hg19) VCF-style: chr5-79965914-A-G.
Other names: c.580-2A>G (NM_002439.3).
Identifiers: ClinVar variation 1513942 (VCV001513942.10), dbSNP rs550048787, ClinGen allele CA3327646.